The following is an entry in ClinVar:

NM_001267550.2(TTN):c.42979G>A (p.Gly14327Arg)

Gene: TTN (titin; minus strand). Cytogenetic location: 2q31.2.
Variant type: single nucleotide variant.
Coding change: c.42979G>A on transcript NM_001267550.2 (MANE Select); coding-DNA position 42979, G replaced by A.
Protein change: p.Gly14327Arg; replaces glycine 14327 with arginine.
Molecular consequence: missense variant.
Genome position (GRCh38, 1-based): chr2:178,633,294, C>T on the plus strand (G>A on the coding strand, the complement: TTN is on the minus strand). VCF-style: chr2-178633294-C-T. GRCh37 (hg19) VCF-style: chr2-179498021-C-T.
Other names: c.38056G>A, p.Gly12686Arg (NM_001256850.1); c.15784G>A, p.Gly5262Arg (NM_003319.4); c.35275G>A, p.Gly11759Arg (NM_133378.4); c.16159G>A, p.Gly5387Arg (NM_133432.3); c.16360G>A, p.Gly5454Arg (NM_133437.4); short protein forms G11759R, G14327R, G12686R, G5262R, G5387R, G5454R.
Identifiers: ClinVar variation 500554 (VCV000500554.7), dbSNP rs375403946, ClinGen allele CA1995968.

ClinVar aggregate classification (germline): Uncertain significance. Review status: criteria provided, multiple submitters, no conflicts (2 of 4 stars). 3 submissions from 3 submitters: Uncertain significance (3). Last evaluated 2025-12-30.

Conditions:
TTN-related disorder. Also called: TTN-related condition; TTN-related disease; TTN-related disorders.
Early-onset myopathy with fatal cardiomyopathy (CMYO5). Also called: Salih Myopathy; CONGENITAL MYOPATHY 5 WITH CARDIOMYOPATHY. Identifiers: Orphanet 289377, MedGen C2673677, MONDO:0012714, OMIM 611705. Disease mechanism: loss of function.
Tibial muscular dystrophy (TMD). Also called: Tibial muscular dystrophy, tardive; UDD MYOPATHY; Udd Distal Myopathy – Tibial Muscular Dystrophy. Identifiers: Orphanet 609, MedGen C1838244, MONDO:0010870, OMIM 600334.
Dilated cardiomyopathy 1G (CMD1G). Identifiers: Orphanet 154, MedGen C1858763, MONDO:0011400, OMIM 604145.
Autosomal recessive limb-girdle muscular dystrophy type 2J (LGMDR10). Also called: Limb-girdle muscular dystrophy, type 2J; MUSCULAR DYSTROPHY, LIMB-GIRDLE, AUTOSOMAL RECESSIVE 10. Identifiers: Orphanet 140922, MedGen C1837342, MONDO:0012127, OMIM 608807.
Hypertrophic cardiomyopathy 9. Also called: Familial hypertrophic cardiomyopathy 9. Identifiers: MedGen C1861065, MONDO:0013412, OMIM 613765.
Myopathy, myofibrillar, 9, with early respiratory failure (MFM9). Also called: EDSTROM MYOPATHY; Myopathy, distal, with early respiratory failure, autosomal dominant; Hereditary myopathy with early respiratory failure; MYOPATHY, PROXIMAL, WITH EARLY RESPIRATORY MUSCLE INVOLVEMENT. Identifiers: Orphanet 178464, Orphanet 34521, MedGen C1863599, MONDO:0011362, OMIM 603689.

Allele frequency attached by ClinVar (database versions not stated): gnomAD 0.00001 and 0.00002; TOPMed 0.00002; ExAC 0.00003; gnomAD exomes 0.00004; ESP Exome Variant Server 0.00017.
gnomAD v4.1: 57 of 1,613,108 alleles (0.0035%); highest among the groups gnomAD compares: East Asian, 0.02%; no homozygotes.

Submissions (3):

PreventionGenetics, part of Exact Sciences
Classification: Uncertain significance for TTN-related condition. Last evaluated: 2025-12-30. Review status: criteria provided, single submitter. Criteria: ACMG Guidelines, 2015. Collection method: clinical testing. Allele origin: germline.
Comment: The TTN c.42979G>A variant is predicted to result in the amino acid substitution p.Gly14327Arg. To our knowledge, this variant has not been reported in the literature. This variant is reported in 0.036% of alleles in individuals of East Asian descent in gnomAD. At this time, the clinical significance of this variant is uncertain due to the absence of conclusive functional and genetic evidence.

Fulgent Genetics
Classification: Uncertain significance for Tibial muscular dystrophy; Myopathy, myofibrillar, 9, with early respiratory failure; Dilated cardiomyopathy 1G; Autosomal recessive limb-girdle muscular dystrophy type 2J; Early-onset myopathy with fatal cardiomyopathy; Hypertrophic cardiomyopathy 9. Last evaluated: 2021-12-14. Review status: criteria provided, single submitter. Criteria: ACMG Guidelines, 2015. Collection method: clinical testing. Allele origin: unknown.

Eurofins Ntd Llc (ga)
Classification: Uncertain significance. Last evaluated: 2017-02-27. Review status: criteria provided, single submitter. Criteria: EGL Classification Definitions 2015. Collection method: clinical testing. Allele origin: germline. Observed: 1 variant allele, 1 heterozygote.